The following is an entry in ClinVar:

ClinVar aggregate classification (germline): Benign (1 of 4 stars; one submission).

Allele frequency attached by ClinVar (database versions not stated): TOPMed 0.49669; 1000 Genomes Project 0.53494; 1000 Genomes Project 30x 0.53685.

Submission:

Unidad de Genómica Garrahan, Hospital de Pediatría Garrahan
Classification: Benign. Last evaluated: 2024-01-24. Review status: criteria provided, single submitter. Criteria: ACMG Guidelines, 2015. Collection method: clinical testing. Allele origin: germline. Affected: no. Observed: 70 variant alleles.
Comment: This variant is classified as Benign based on local population frequency. This variant was detected in 80% of patients studied by a panel of primary immunodeficiencies. Number of patients: 70. Only high quality variants are reported.

NM_005223.4(DNASE1):c.704+67G>C

Gene: DNASE1 (deoxyribonuclease 1; plus strand). Cytogenetic location: 16p13.3.
Variant type: single nucleotide variant.
Coding change: c.704+67G>C on transcript NM_005223.4 (MANE Select); 67 bases into the intron after coding-DNA position 704, G replaced by C.
Molecular consequence: intron variant.
Genome position (GRCh38, 1-based): chr16:3,657,408, G>C. VCF-style: chr16-3657408-G-C. GRCh37 (hg19) VCF-style: chr16-3707409-G-C.
Other names: c.704+67G>C (NM_001387140.1, NM_001387135.1, NM_001351825.2); c.773+67G>C (NM_001387139.1); c.497+67G>C (NM_001387141.1).
Identifiers: ClinVar variation 2688354 (VCV002688354.2), dbSNP rs1799892, ClinGen allele CA14207162.
Genomic context (GRCh38, chr16:3,657,408, plus strand): 5'-AGGGCCTCGCGCTTAGGGCAGACTGAGGGCACCTCCAAGGGCAGCCGTGACTCATAGGTC[G>C]GGCTTCAGAAGCCTCAAAGCCTTTGAACACTCACCCAACTGAGCTTCAGTTGATCCACTA-3'